The following is an entry in ClinVar:

NM_000642.3(AGL):c.2214del (p.Ser738fs)

Gene: AGL (amylo-alpha-1,6-glucosidase and 4-alpha-glucanotransferase; plus strand). Cytogenetic location: 1p21.2.
Variant type: Deletion.
Coding change: c.2214del on transcript NM_000642.3 (MANE Select); coding-DNA position 2214, one base deleted (C; older notation c.2214delC).
Protein change: p.Ser738fs; shifts the reading frame from serine 738.
Molecular consequence: frameshift variant.
Genome position (GRCh38, 1-based): chr1:99,881,597, C deleted. VCF-style (leftmost placement, unchanged base first): chr1-99881596-GC-G. GRCh37 (hg19) VCF-style: chr1-100347152-GC-G.
Other names: c.2214delC (NM_000642.2); c.2214del, p.Ser738fs (NM_000028.3, NM_000643.3, NM_000644.3 and 2 more transcripts); c.2166del, p.Ser722fs (NM_000646.3); c.2013del, p.Ser671fs (NM_001425327.1); c.2010del, p.Ser670fs (NM_001425328.1, NM_001425329.1); c.1836del, p.Ser612fs (NM_001425332.1); short protein forms S738fs, S670fs, S671fs, S612fs, S722fs.
Identifiers: ClinVar variation 3730136 (VCV003730136.3).
Genomic context (GRCh38, chr1:99,881,596, plus strand): 5'-CTCAGGTGTATGTGGATCAAGTTGATGAAGACATAGTGGCAGTAACAAGACACTCACCTA[GC>G]ATCCATCAGTCTGTTGTGGCTGTATCTAGAACTGCTTTCAGGAATCCCAAGACTTCATTT-3'

ClinVar aggregate classification (germline): Pathogenic/Likely pathogenic. Review status: criteria provided, multiple submitters, no conflicts (2 of 4 stars). 2 submissions from 2 submitters: Pathogenic (1); Likely pathogenic (1). Last evaluated 2025-03-03.

Conditions:
Glycogen storage disease type III (GSD3). Also called: FORBES DISEASE; Cori disease. Identifiers: Orphanet 366, MedGen C0017922, MONDO:0009291, OMIM 232400.

Submissions (2):

Natera, Inc.
Classification: Likely pathogenic for Glycogen storage disease type III. Last evaluated: 2025-03-03. Review status: criteria provided, single submitter. Criteria: Natera Variant Classification Schema (03/2026). Collection method: clinical testing. Allele origin: germline.
Comment: The c.2214delC variant in AGL is a frameshift variant predicted to shift the reading frame beginning at codon 738 and leads to a stop codon 38 codons downstream. This variant is expected to result in nonsense mediated decay, truncation, or a dysfunctional protein product. This variant is rare in the general population with a frequency below the threshold expected for the associated phenotype(s). Given the available evidence, this variant is classified as Likely Pathogenic.

Labcorp Genetics (formerly Invitae), Labcorp
Classification: Pathogenic for Glycogen storage disease type III. Last evaluated: 2024-05-28. Review status: criteria provided, single submitter. Criteria: Invitae Variant Classification Sherloc (09022015). Collection method: clinical testing. Allele origin: germline.
Comment: This sequence change creates a premature translational stop signal (p.Ser738Argfs*38) in the AGL gene. It is expected to result in an absent or disrupted protein product. Loss-of-function variants in AGL are known to be pathogenic (PMID: 19299494). This variant is not present in population databases (gnomAD no frequency). This variant has not been reported in the literature in individuals affected with AGL-related conditions. For these reasons, this variant has been classified as Pathogenic.

Literature cited by the submitters: PubMed 19299494 (cited by Labcorp Genetics (formerly Invitae), Labcorp).